The following is an entry in ClinVar:

NM_004974.4(KCNA2):c.23C>A (p.Pro8Gln)

Gene: KCNA2 (potassium voltage-gated channel subfamily A member 2; minus strand). Cytogenetic location: 1p13.3.
Variant type: single nucleotide variant.
Coding change: c.23C>A on transcript NM_004974.4 (MANE Select); coding-DNA position 23, C replaced by A.
Protein change: p.Pro8Gln; replaces proline 8 with glutamine.
Molecular consequence: missense variant.
Genome position (GRCh38, 1-based): chr1:110,604,760, G>T on the plus strand (C>A on the coding strand, the complement: KCNA2 is on the minus strand). VCF-style: chr1-110604760-G-T. GRCh37 (hg19) VCF-style: chr1-111147382-G-T.
Other names: c.23C>A, p.Pro8Gln (NM_001204269.2); short protein forms P8Q.
Identifiers: ClinVar variation 2749552 (VCV002749552.3), dbSNP rs1487522107, ClinGen allele CA341607422.

ClinVar aggregate classification (germline): Uncertain significance (1 of 4 stars; one submission).

Conditions:
Developmental and epileptic encephalopathy, 32 (DEE32). Also called: Epileptic encephalopathy, early infantile, 32. Identifiers: Orphanet 442835, MedGen C4225350, MONDO:0014607, OMIM 616366.

Submission:

Labcorp Genetics (formerly Invitae), Labcorp
Classification: Uncertain significance for Developmental and epileptic encephalopathy, 32. Last evaluated: 2024-10-17. Review status: criteria provided, single submitter. Criteria: Invitae Variant Classification Sherloc (09022015). Collection method: clinical testing. Allele origin: germline.
Comment: This sequence change replaces proline, which is neutral and non-polar, with glutamine, which is neutral and polar, at codon 8 of the KCNA2 protein (p.Pro8Gln). This variant is not present in population databases (gnomAD no frequency). This variant has not been reported in the literature in individuals affected with KCNA2-related conditions. Invitae Evidence Modeling of protein sequence and biophysical properties (such as structural, functional, and spatial information, amino acid conservation, physicochemical variation, residue mobility, and thermodynamic stability) indicates that this missense variant is not expected to disrupt KCNA2 protein function with a negative predictive value of 95%. In summary, the available evidence is currently insufficient to determine the role of this variant in disease. Therefore, it has been classified as a Variant of Uncertain Significance.